The following is an entry in ClinVar:

NM_004958.4(MTOR):c.7576G>A (p.Glu2526Lys)

Gene: MTOR (mechanistic target of rapamycin kinase; minus strand). Cytogenetic location: 1p36.22.
Variant type: single nucleotide variant.
Coding change: c.7576G>A on transcript NM_004958.4 (MANE Select); coding-DNA position 7576, G replaced by A.
Protein change: p.Glu2526Lys; replaces glutamic acid 2526 with lysine.
Molecular consequence: missense variant.
Genome position (GRCh38, 1-based): chr1:11,108,239, C>T on the plus strand (G>A on the coding strand, the complement: MTOR is on the minus strand). VCF-style: chr1-11108239-C-T. GRCh37 (hg19) VCF-style: chr1-11168296-C-T.
Other names: short protein forms E2526K.
Identifiers: ClinVar variation 918031 (VCV000918031.9), dbSNP rs1641671309, ClinGen allele CA338378130.

ClinVar aggregate classification (germline): Uncertain significance. Review status: criteria provided, multiple submitters, no conflicts (2 of 4 stars). 2 submissions from 2 submitters: Uncertain significance (2). Last evaluated 2026-01-06.

Submissions (2):

Women's Health and Genetics/Laboratory Corporation of America, LabCorp
Classification: Uncertain significance. Last evaluated: 2026-01-06. Review status: criteria provided, single submitter. Criteria: LabCorp Variant Classification Summary - May 2015. Collection method: clinical testing. Allele origin: germline.
Comment: Variant summary: MTOR c.7576G>A (p.Glu2526Lys) results in a conservative amino acid change in the encoded protein sequence. Algorithms developed to predict the effect of missense changes on protein structure and function are either unavailable or do not agree on the potential impact of this missense change. The variant was absent in 251468 control chromosomes. The available data on variant occurrences in the general population are insufficient to allow any conclusion about variant significance. To our knowledge, no occurrence of c.7576G>A in individuals affected with MTOR-related conditions and no experimental evidence demonstrating its impact on protein function have been reported. ClinVar contains an entry for this variant (Variation ID: 918031). Based on the evidence outlined above, the variant was classified as uncertain significance.

Labcorp Genetics (formerly Invitae), Labcorp
Classification: Uncertain significance. Last evaluated: 2024-06-04. Review status: criteria provided, single submitter. Criteria: Invitae Variant Classification Sherloc (09022015). Collection method: clinical testing. Allele origin: germline.
Comment: This sequence change replaces glutamic acid, which is acidic and polar, with lysine, which is basic and polar, at codon 2526 of the MTOR protein (p.Glu2526Lys). This variant is not present in population databases (gnomAD no frequency). This variant has not been reported in the literature in individuals affected with MTOR-related conditions. ClinVar contains an entry for this variant (Variation ID: 918031). Advanced modeling of protein sequence and biophysical properties (such as structural, functional, and spatial information, amino acid conservation, physicochemical variation, residue mobility, and thermodynamic stability) performed at Invitae indicates that this missense variant is expected to disrupt MTOR protein function with a positive predictive value of 80%. In summary, the available evidence is currently insufficient to determine the role of this variant in disease. Therefore, it has been classified as a Variant of Uncertain Significance.